The following is an entry in ClinVar:

ClinVar aggregate classification (germline): Likely benign. Review status: criteria provided, multiple submitters, no conflicts (2 of 4 stars). 2 submissions from 2 submitters: Likely benign (2). Last evaluated 2026-08-31.

Conditions:
ABCC2-related disorder. Also called: ABCC2-related condition.

Allele frequency attached by ClinVar (database versions not stated): TOPMed 0.00001.
gnomAD v4.1: 5 of 1,614,202 alleles (0.00031%); highest among the groups gnomAD compares: Admixed American, 0.0083%; no homozygotes.

Submissions (2):

PreventionGenetics, part of Exact Sciences
Classification: Likely benign for ABCC2-related condition. Last evaluated: 2026-08-31. Review status: criteria provided, single submitter. Criteria: ACMG Guidelines, 2015. Collection method: clinical testing. Allele origin: germline.
Comment: This variant is classified as likely benign based on ACMG/AMP sequence variant interpretation guidelines (Richards et al. 2015 PMID: 25741868, with internal and published modifications).

Labcorp Genetics (formerly Invitae), Labcorp
Classification: Likely benign. Last evaluated: 2023-12-22. Review status: criteria provided, single submitter. Criteria: Invitae Variant Classification Sherloc (09022015). Collection method: clinical testing. Allele origin: germline.

NM_000392.5(ABCC2):c.2747+8A>C

Genes: ABCC2 (ATP binding cassette subfamily C member 2; plus strand), LOC126861012 (BRD4-independent group 4 enhancer GRCh37_chr10:101589748-101590947; plus strand). Cytogenetic location: 10q24.2.
Variant type: single nucleotide variant.
Coding change: c.2747+8A>C on transcript NM_000392.5 (MANE Select); 8 bases into the intron after coding-DNA position 2747, A replaced by C.
Molecular consequence: intron variant.
Genome position (GRCh38, 1-based): chr10:99,830,441, A>C. VCF-style: chr10-99830441-A-C. GRCh37 (hg19) VCF-style: chr10-101590198-A-C.
Other names: c.2747+8A>C (NM_000392.4).
Identifiers: ClinVar variation 2901321 (VCV002901321.4), dbSNP rs2038718945, ClinGen allele CA1931489322.